The following is an entry in ClinVar:

ClinVar aggregate classification (germline): Uncertain significance. Review status: reviewed by expert panel (3 of 4 stars). 4 submissions from 4 submitters: Uncertain significance (1). 3 of the submissions do not count toward it. Last evaluated 2025-09-25.

Conditions:
Hereditary cancer-predisposing syndrome. Also called: Tumor predisposition; Neoplastic Syndromes, Hereditary; Hereditary neoplastic syndrome; Hereditary Cancer Syndrome. Identifiers: Orphanet 140162, MedGen C0027672, MeSH D009386, MONDO:0015356.
ATM-related cancer predisposition. Also called: ATM-related cancer susceptibility. Identifiers: MedGen CN377759, MONDO:0700270.
Ataxia-telangiectasia syndrome (AT). Also called: Ataxia-telangiectasia, complementation group D; AT, COMPLEMENTATION GROUP C; ATAXIA-TELANGIECTASIA, COMPLEMENTATION GROUP A; ATAXIA-TELANGIECTASIA, FRESNO VARIANT; Ataxia-telangiectasia; Ataxia telangiectasia (A-T). Identifiers: Orphanet 100, MedGen C0004135, MONDO:0008840, OMIM 208900.

Submissions (4):

ClinGen Hereditary Breast, Ovarian and Pancreatic Cancer Variant Curation Expert Panel, ClinGen
Classification: Uncertain significance for ATM-related cancer predisposition. Last evaluated: 2025-09-25. Review status: reviewed by expert panel. Criteria: ClinGen HBOP ACMG Specifications ATM V1.3.0. Collection method: curation. Allele origin: germline. Inheritance: Autosomal dominant inheritance.
Comment: The c.8096C>T variant in ATM is a missense variant predicted to cause substitution of proline by leucine at amino acid 2699 (p.Pro2699Leu). This variant has been detected in at least one individual with Ataxia-Telangiectasia (PMID: 22649200). This variant is absent from gnomAD v4.1.0. ATM kinase activity assay in ATM-null lymphoblastoid cell line showed reduced ATM kinase activity on its downstream targets indicating that this variant impacts protein function (PMID: 19431188). The computational predictor REVEL gives a score of 0.952, which is above the threshold of 0.7333, evidence that correlates to impact to ATM function. In summary, this variant meets the criteria to be classified as a variant of uncertain significance for autosomal dominant ATM-related cancer predisposition and autosomal recessive Ataxia-Telangiectasia based on the ACMG/AMP criteria applied as specified by the HBOP VCEP. (PM3_Supporting, PM2_Supporting, PS3_Supporting, PP3)

Ambry Genetics
Classification: Likely pathogenic for Hereditary cancer-predisposing syndrome. Last evaluated: 2026-09-11. Review status: criteria provided, single submitter. Criteria: Ambry Variant Classification Scheme 2023. Collection method: clinical testing. Allele origin: germline. Not counted in ClinVar's aggregate classification.
Comment: The p.P2699L variant (also known as c.8096C>T), located in coding exon 54 of the ATM gene, results from a C to T substitution at nucleotide position 8096. The proline at codon 2699 is replaced by leucine, an amino acid with similar properties. This alteration was reported in at least one patient with Ataxia Telangiectasia in conjunction with another ATM alteration, p.Ile709_Lys750del, though phase was not confirmed (Reiman A et al. Br. J. Cancer. 2011 Aug;105:586-91; Carney EF et al. J. Immunol. 2012 Jul;189:261-8). In a functional study, this alteration showed loss of kinase activity (Barone G et al. Hum. Mutat. 2009 Aug;30:1222-30). In an assay testing ATM function, this variant showed a functionally abnormal result (Lee KS et al. Cell, 2025 Sep;188:5081-5099.e27). This amino acid position is highly conserved in available vertebrate species. This variant was not reported in population-based cohorts in the Genome Aggregation Database (gnomAD). In addition, this alteration is predicted to be deleterious by in silico analysis. Based on the majority of available evidence to date, this variant is likely to be pathogenic.

Center for Genomic Medicine, Rigshospitalet, Copenhagen University Hospital
Classification: Uncertain significance. Last evaluated: 2025-12-29. Review status: criteria provided, single submitter. Criteria: ACMG Guidelines, 2015. Collection method: clinical testing. Allele origin: germline. Not counted in ClinVar's aggregate classification.
Comment: Classification criteria: PM2_supporting, PS3_supporting, PP3, PM3_supporting

Labcorp Genetics (formerly Invitae), Labcorp
Classification: Uncertain significance for Ataxia-telangiectasia syndrome. Last evaluated: 2024-04-30. Review status: criteria provided, single submitter. Criteria: Invitae Variant Classification Sherloc (09022015). Collection method: clinical testing. Allele origin: germline. Not counted in ClinVar's aggregate classification.
Comment: This sequence change replaces proline, which is neutral and non-polar, with leucine, which is neutral and non-polar, at codon 2699 of the ATM protein (p.Pro2699Leu). This variant is not present in population databases (gnomAD no frequency). This variant has not been reported in the literature in individuals affected with ATM-related conditions. ClinVar contains an entry for this variant (Variation ID: 938483). An algorithm developed to predict the effect of missense changes on protein structure and function (PolyPhen-2) suggests that this variant is likely to be disruptive. Experimental studies have shown that this missense change affects ATM function (PMID: 19431188). In summary, the available evidence is currently insufficient to determine the role of this variant in disease. Therefore, it has been classified as a Variant of Uncertain Significance.

Literature cited by the submitters: PubMed 19431188 (cited by Ambry Genetics and Labcorp Genetics (formerly Invitae), Labcorp); PubMed 21792198 (cited by Ambry Genetics and Center for Genomic Medicine, Rigshospitalet, Copenhagen University Hospital); PubMed 22649200 (cited by Ambry Genetics and Center for Genomic Medicine, Rigshospitalet, Copenhagen University Hospital); PubMed 40580951 (cited by Ambry Genetics and Center for Genomic Medicine, Rigshospitalet, Copenhagen University Hospital).

NM_000051.4(ATM):c.8096C>T (p.Pro2699Leu)

Genes: C11orf65 (chromosome 11 open reading frame 65; minus strand), ATM (ATM serine/threonine kinase; plus strand). Cytogenetic location: 11q22.3.
Variant type: single nucleotide variant.
Coding change: c.8096C>T on transcript NM_000051.4 (MANE Select); coding-DNA position 8096, C replaced by T.
Protein change: p.Pro2699Leu; replaces proline 2699 with leucine.
Molecular consequence: missense variant. On other transcripts: intron variant (2).
Genome position (GRCh38, 1-based): chr11:108,335,054, C>T. VCF-style: chr11-108335054-C-T. GRCh37 (hg19) VCF-style: chr11-108205781-C-T.
Other names: NM_000051.4(ATM):c.8096C>T; p.Pro2699Leu; c.8096C>T, p.Pro2699Leu (NM_001351834.2); c.641-25983G>A (NM_001330368.2); c.*38+166G>A (NM_001351110.2); short protein forms P2699L.
Identifiers: ClinVar variation 938483 (VCV000938483.14), dbSNP rs879254209, ClinGen allele CA382562092.